The following is an entry in ClinVar:

NM_000123.4(ERCC5):c.2636A>G (p.Asn879Ser)

Genes: BIVM-ERCC5 (BIVM-ERCC5 readthrough; plus strand), ERCC5 (ERCC excision repair 5, endonuclease; plus strand). Cytogenetic location: 13q33.1.
Variant type: single nucleotide variant.
Coding change: c.2636A>G on transcript NM_000123.4 (MANE Select); coding-DNA position 2636, A replaced by G.
Protein change: p.Asn879Ser; replaces asparagine 879 with serine.
Molecular consequence: missense variant.
Genome position (GRCh38, 1-based): chr13:102,868,215, A>G. VCF-style: chr13-102868215-A-G. GRCh37 (hg19) VCF-style: chr13-103520565-A-G.
Other names: c.3998A>G, p.Asn1333Ser (NM_001204425.2); short protein forms N879S, N1333S.
Identifiers: ClinVar variation 134162 (VCV000134162.42), dbSNP rs4150342, ClinGen allele CA158950.
Genomic context (GRCh38, chr13:102,868,215, plus strand): 5'-GAAGTGATTATACCGAAGGAATACCAACTGTGGGTTGTGTAACCGCCATGGAAATTCTCA[A>G]TGAATTCCCTGGGCATGGCCTGGAACCTCTCCTAAAATTCTCGTAAGGTCTTTTATTTCT-3'
Protein context (NP_000114.3, residues 869-889): VGCVTAMEIL[Asn879Ser]EFPGHGLEPL

ClinVar aggregate classification (germline): Benign. Review status: criteria provided, multiple submitters, no conflicts (2 of 4 stars). 7 submissions from 7 submitters: Benign (5). 2 of the submissions do not count toward it. Last evaluated 2026-09-01.

Conditions:
Xeroderma pigmentosum, group G (XPG). Also called: XERODERMA PIGMENTOSUM VII; XP, GROUP G; Xeroderma pigmentosum type 7; ERCC5-Related Xeroderma Pigmentosum. Identifiers: MedGen C0268141, MONDO:0010216, OMIM 278780.

Allele frequency attached by ClinVar (database versions not stated): 1000 Genomes Project 0.00639; 1000 Genomes Project 30x 0.00656; gnomAD 0.00934 and 0.00936; ExAC 0.00952; ESP Exome Variant Server 0.00961; TOPMed 0.00966; gnomAD exomes 0.00987 and 0.01187.
gnomAD v4.1: 18,736 of 1,614,222 alleles (1.2%); highest among the groups gnomAD compares: Middle Eastern, 1.9%; 134 homozygotes.

Submissions (7):

CeGaT Center for Human Genetics Tuebingen
Classification: Benign. Last evaluated: 2026-09-01. Review status: criteria provided, single submitter. Criteria: CeGaT Center For Human Genetics Tuebingen Variant Classification Criteria Version 2. Collection method: clinical testing. Allele origin: germline. Affected: yes. Observed: 129 variant alleles.
Comment: ERCC5: BP4, BS1, BS2

Labcorp Genetics (formerly Invitae), Labcorp
Classification: Benign. Last evaluated: 2026-02-04. Review status: criteria provided, single submitter. Criteria: Invitae Variant Classification Sherloc (09022015). Collection method: clinical testing. Allele origin: germline.

GeneDx
Classification: Benign. Last evaluated: 2019-05-29. Review status: criteria provided, single submitter. Criteria: GeneDx Variant Classification Process June 2021. Collection method: clinical testing. Allele origin: germline. Affected: yes.
Comment: This variant is associated with the following publications: (PMID: 11841555, 24728327)

Illumina Laboratory Services, Illumina
Classification: Benign for Xeroderma pigmentosum, group G. Last evaluated: 2017-04-27. Review status: criteria provided, single submitter. Criteria: ICSL Variant Classification Criteria 13 December 2019. Collection method: clinical testing. Allele origin: germline.
Comment: This variant was observed as part of a predisposition screen in an ostensibly healthy population. A literature search was performed for the gene, cDNA change, and amino acid change (where applicable). No publications were found based on this search. Allele frequency data from public databases was too high to be consistent with this variant causing disease. Therefore, this variant is classified as benign.

Breakthrough Genomics
Classification: Benign. Review status: criteria provided, single submitter. Criteria: ACMG Guidelines, 2015. Collection method: not provided. Allele origin: germline. Inheritance: Autosomal recessive inheritance. Affected: yes.

ITMI
No classification provided. Condition: AllHighlyPenetrant. Last evaluated: 2013-09-19. Review status: no classification provided. Collection method: reference population. Allele origin: germline. Not counted in ClinVar's aggregate classification.
Comment: Please see associated publication for description of ethnicities

Department of Pathology and Laboratory Medicine, Sinai Health System
Classification: Likely benign. Review status: no assertion criteria provided. Collection method: clinical testing. Allele origin: unknown. Affected: yes. Study: The Canadian Open Genetics Repository (COGR). Not counted in ClinVar's aggregate classification.
Comment: The ERCC5 p.Asn879Ser variant was identified in dbSNP (ID: rs4150342) and ClinVar (submitted by ITMI with no classification) but was not identified in Cosmic or LOVD 3.0. The variant was identified in control databases in 2751 of 282866 chromosomes (15 homozygous) at a frequency of 0.009725 increasing the likelihood this could be a low frequency benign variant (Genome Aggregation Database Feb 27, 2017). The variant was observed in the following populations: European (non-Finnish) in 1776 of 129182 chromosomes (freq: 0.01375), Latino in 384 of 35438 chromosomes (freq: 0.01084), Other in 77 of 7224 chromosomes (freq: 0.01066), Ashkenazi Jewish in 95 of 10370 chromosomes (freq: 0.009161), European (Finnish) in 218 of 25122 chromosomes (freq: 0.008678), South Asian in 143 of 30616 chromosomes (freq: 0.004671), African in 56 of 24964 chromosomes (freq: 0.002243), and East Asian in 2 of 19950 chromosomes (freq: 0.0001). The variant was identified in a patient with Xeroderma Pigmentosum who also carried multiple other ERCC5 variants, therefore the N879S variant was not expected to have functional significance (Lalle_2002_PMID:11841555). The p.Asn879 residue is not conserved in mammals and four out of five computational analyses (PolyPhen-2, SIFT, AlignGVGD, BLOSUM) do not suggest a high likelihood of impact to the protein; however, this information is not predictive enough to rule out pathogenicity. The variant occurs outside of the splicing consensus sequence and in silico or computational prediction software programs (SpliceSiteFinder, MaxEntScan, NNSPLICE, GeneSplicer) do not predict a difference in splicing. In summary, based on the above information the clinical significance of this variant cannot be determined with certainty at this time although we would lean towards a more benign role for this variant. This variant is classified as likely benign.

Literature cited by the submitters: PubMed 24728327 (cited by ITMI).